The following is an entry in ClinVar:

ClinVar aggregate classification (germline): Likely benign. Review status: criteria provided, multiple submitters, no conflicts (2 of 4 stars). 3 submissions from 3 submitters: Likely benign (3). Last evaluated 2025-11-24.

Conditions:
Early-infantile DEE. Also called: Ohtahara syndrome; Early infantile epileptic encephalopathy with suppression bursts; Early infantile epileptic encephalopathy. Identifiers: Orphanet 1934, MedGen C0393706, MONDO:0800491.
Inborn genetic diseases. Identifiers: MedGen C0950123, MeSH D030342.

Allele frequency attached by ClinVar (database versions not stated): TOPMed 0.00001.

Submissions (3):

Ambry Genetics
Classification: Likely benign for Inborn genetic diseases. Last evaluated: 2025-11-24. Review status: criteria provided, single submitter. Criteria: Ambry Variant Classification Scheme 2023. Collection method: clinical testing. Allele origin: germline.

Labcorp Genetics (formerly Invitae), Labcorp
Classification: Likely benign for Early-infantile DEE. Last evaluated: 2019-05-02. Review status: criteria provided, single submitter. Criteria: Invitae Variant Classification Sherloc (09022015). Collection method: clinical testing. Allele origin: germline.

ARUP Laboratories, Molecular Genetics and Genomics, ARUP Laboratories
Classification: Likely benign. Last evaluated: 2017-10-31. Review status: criteria provided, single submitter. Criteria: ARUP Molecular Germline Variant Investigation Process. Collection method: clinical testing. Allele origin: germline.
Comment: Although the p.Thr47Thr variant (rs781681487) has not been reported in the medical literature and is only found on a single chromosome in the Genome Aggregation Database (gnomAD) browser (out of 218,590 chromosomes), this variant is not expected to alter the amino acid sequence of the SLC25A22 protein. The guanosine at nucleotide 141 is weakly conserved, and computational analyses predict that this variant does not alter splicing (Alamut software v2.10.0). Therefore, based on the available evidence, the p.Thr47Thr variant is classified as likely benign.

NM_001191061.2(SLC25A22):c.141G>A (p.Thr47=)

Gene: SLC25A22 (solute carrier family 25 member 22; minus strand). Cytogenetic location: 11p15.5.
Variant type: single nucleotide variant.
Coding change: c.141G>A on transcript NM_001191061.2 (MANE Select); coding-DNA position 141, G replaced by A.
Protein change: p.Thr47=; no amino-acid change (threonine 47 retained).
Molecular consequence: synonymous variant.
Genome position (GRCh38, 1-based): chr11:794,781, C>T on the plus strand (G>A on the coding strand, the complement: SLC25A22 is on the minus strand). VCF-style: chr11-794781-C-T. GRCh37 (hg19) VCF-style: chr11-794781-C-T.
Other names: c.141G>A, p.Thr47= (NM_001191060.2, NM_024698.6).
Identifiers: ClinVar variation 618876 (VCV000618876.17), dbSNP rs781681487, ClinGen allele CA472439049.
Genomic context (GRCh38, chr11:794,781, plus strand): 5'-CCTCTCCTGCTGCCACATGCTGGGCCCACTCCCCGCGACCGCCCGGCACACTCACATGCT[C>T]GTGTACACGCGCTGGCCGTTCTGCTGGTTCTGCAGCCTGGTCTTGGCCAGGTCGATGGGA-3'
Protein context (NP_001177990.1, residues 37-57): QNQQNGQRVY[Thr47=]SMSDCLIKTV